The following is an entry in ClinVar:

ClinVar aggregate classification (germline): Conflicting classifications of pathogenicity. Review status: criteria provided, conflicting classifications (1 of 4 stars). 8 submissions from 8 submitters: Uncertain significance (5); Likely benign (2). 1 of the submissions does not count toward it. Last evaluated 2025-09-07.

Conditions:
Hereditary cancer-predisposing syndrome. Also called: Tumor predisposition; Hereditary neoplastic syndrome; Neoplastic Syndromes, Hereditary; Hereditary Cancer Syndrome. Identifiers: Orphanet 140162, MedGen C0027672, MeSH D009386, MONDO:0015356.
Hereditary breast ovarian cancer syndrome. Also called: Hereditary breast and ovarian cancer syndrome (HBOC); Hereditary breast and ovarian cancer; Hereditary breast and ovarian cancer syndrome; Breast and ovarian cancer; Hereditary breast and/or ovarian cancer syndrome; BRCA1- and BRCA2-Associated Hereditary Breast and Ovarian Cancer. Identifiers: Orphanet 145, MedGen C0677776, MeSH D061325, MONDO:0003582. Disease mechanism: loss of function.
Breast-ovarian cancer, familial, susceptibility to, 2 (BROVCA2). Also called: BRCA2 Hereditary Breast and Ovarian Cancer. Identifiers: Orphanet 145, MedGen C2675520, MONDO:0012933, OMIM 612555. Disease mechanism: loss of function.

Allele frequency attached by ClinVar (database versions not stated): TOPMed below 0.00001.

Submissions (8):

Quest Diagnostics Nichols Institute San Juan Capistrano
Classification: Uncertain significance. Last evaluated: 2025-09-07. Review status: criteria provided, single submitter. Criteria: Quest Diagnostics criteria. Collection method: clinical testing. Allele origin: unknown.
Comment: The BRCA2 c.5846A>G (p.Asp1949Gly) variant has been reported in the published literature in an individual with breast cancer (PMID: 33646313 (2021)). This variant has also been reported to be located in a region of the BRCA2 gene that is tolerant to missense sequence changes (PMID: 31911673 (2020)). This variant has not been reported in large, multi-ethnic general populations (Genome Aggregation Database). Analysis of this variant using bioinformatics tools for the prediction of the effect of amino acid changes on protein structure and function yielded predictions that this variant is benign. Based on the available information, we are unable to determine the clinical significance of this variant.

Labcorp Genetics (formerly Invitae), Labcorp
Classification: Uncertain significance for Hereditary breast ovarian cancer syndrome. Last evaluated: 2025-06-24. Review status: criteria provided, single submitter. Criteria: Invitae Variant Classification Sherloc (09022015). Collection method: clinical testing. Allele origin: germline.
Comment: This sequence change replaces aspartic acid, which is acidic and polar, with glycine, which is neutral and non-polar, at codon 1949 of the BRCA2 protein (p.Asp1949Gly). This variant is not present in population databases (gnomAD no frequency). This missense change has been observed in individual(s) with breast cancer (PMID: 33646313). ClinVar contains an entry for this variant (Variation ID: 96830). Invitae Evidence Modeling of protein sequence and biophysical properties (such as structural, functional, and spatial information, amino acid conservation, physicochemical variation, residue mobility, and thermodynamic stability) indicates that this missense variant is not expected to disrupt BRCA2 protein function with a negative predictive value of 95%. In summary, the available evidence is currently insufficient to determine the role of this variant in disease. Therefore, it has been classified as a Variant of Uncertain Significance.

CeGaT Center for Human Genetics Tuebingen
Classification: Uncertain significance. Last evaluated: 2024-11-01. Review status: criteria provided, single submitter. Criteria: CeGaT Center For Human Genetics Tuebingen Variant Classification Criteria Version 2. Collection method: clinical testing. Allele origin: germline. Affected: yes. Observed: 1 variant allele.
Comment: BRCA2: PM2, BP4

GeneDx
Classification: Uncertain significance. Last evaluated: 2024-05-01. Review status: criteria provided, single submitter. Criteria: GeneDx Variant Classification Process June 2021. Collection method: clinical testing. Allele origin: germline.
Comment: Not observed at significant frequency in large population cohorts (gnomAD); In silico analysis indicates that this missense variant does not alter protein structure/function; Observed in an individual with breast cancer (PMID: 33646313); Also known as 6074A>G; This variant is associated with the following publications: (PMID: 29884841, 32377563, 33646313)

Ambry Genetics
Classification: Likely benign for Hereditary cancer-predisposing syndrome. Last evaluated: 2023-12-14. Review status: criteria provided, single submitter. Criteria: Ambry Variant Classification Scheme 2023. Collection method: clinical testing. Allele origin: germline.

University of Washington Department of Laboratory Medicine, University of Washington
Classification: Likely benign for Hereditary cancer-predisposing syndrome. Last evaluated: 2023-03-23. Review status: criteria provided, single submitter. Criteria: Dines et al. (Genet Med. 2020). Collection method: curation. Allele origin: germline.
Comment: Missense variant in a coldspot region where missense variants are very unlikely to be pathogenic (PMID:31911673).

BRCA2 exon 11 coldspot. Reclassification based on statistical prior probability.

Color Diagnostics, LLC DBA Color Health
Classification: Uncertain significance for Hereditary cancer-predisposing syndrome. Last evaluated: 2019-08-01. Review status: criteria provided, single submitter. Criteria: ACMG Guidelines, 2015. Collection method: clinical testing. Allele origin: germline.
Comment: This missense variant replaces aspartic acid with glycine at codon 1949 of the BRCA2 protein. Computational prediction tools and conservation analyses suggest that this variant may not impact the protein function. Computational splicing tools suggest that this variant may not impact RNA splicing. To our knowledge, functional assays have not been performed for this variant nor has this variant been reported in individuals affected with hereditary cancer in the literature. This variant has not been identified in the general population by the Genome Aggregation Database (gnomAD). Available evidence is insufficient to determine the role of this variant in disease conclusively. Therefore, this variant is classified as a Variant of Uncertain Significance.

Sharing Clinical Reports Project (SCRP)
Classification: Uncertain significance for Breast-ovarian cancer, familial 2. Last evaluated: 2010-04-23. Review status: no assertion criteria provided. Collection method: clinical testing. Allele origin: germline. Not counted in ClinVar's aggregate classification.

Literature cited by the submitters: PubMed 33646313 (cited by 3 submitters); PubMed 31911673 (cited by Quest Diagnostics Nichols Institute San Juan Capistrano); PubMed 32720237 (cited by Quest Diagnostics Nichols Institute San Juan Capistrano).

NM_000059.4(BRCA2):c.5846A>G (p.Asp1949Gly)

Gene: BRCA2 (BRCA2 DNA repair associated; plus strand). Cytogenetic location: 13q13.1.
Variant type: single nucleotide variant.
Coding change: c.5846A>G on transcript NM_000059.4 (MANE Select); coding-DNA position 5846, A replaced by G.
Protein change: p.Asp1949Gly; replaces aspartic acid 1949 with glycine.
Molecular consequence: missense variant.
Genome position (GRCh38, 1-based): chr13:32,340,201, A>G. VCF-style: chr13-32340201-A-G. GRCh37 (hg19) VCF-style: chr13-32914338-A-G.
Other names: 6074A>G; short protein forms D1949G.
Identifiers: ClinVar variation 96830 (VCV000096830.40), dbSNP rs431825336, ClinGen allele CA023295.